The following is an entry in ClinVar:

NM_197968.4(ZMYM2):c.2459-2A>G

Gene: ZMYM2 (zinc finger MYM-type containing 2; plus strand). Cytogenetic location: 13q12.11.
Variant type: single nucleotide variant.
Coding change: c.2459-2A>G on transcript NM_197968.4 (MANE Select); the canonical splice acceptor site of the intron before coding-DNA position 2459, A replaced by G.
Molecular consequence: splice acceptor variant.
Genome position (GRCh38, 1-based): chr13:20,052,275, A>G. VCF-style: chr13-20052275-A-G. GRCh37 (hg19) VCF-style: chr13-20626415-A-G.
Other names: c.2198-2A>G (NM_001353163.2); c.2459-2A>G (NM_001353157.2, NM_001353164.2, NM_001353159.2 and 5 more transcripts); c.2264-2A>G (NM_001353161.3).
Identifiers: ClinVar variation 3775269 (VCV003775269.1).

ClinVar aggregate classification (germline): Likely pathogenic (1 of 4 stars; one submission).

Conditions:
Neurodevelopmental-craniofacial syndrome with variable renal and cardiac abnormalities. Identifiers: MedGen C5561984, MONDO:0859190, OMIM 619522.

Submission:

3billion
Classification: Likely pathogenic for Neurodevelopmental-craniofacial syndrome with variable renal and cardiac abnormalities. Last evaluated: 2024-03-14. Review status: criteria provided, single submitter. Criteria: ACMG Guidelines, 2015. Collection method: clinical testing. Allele origin: germline. Affected: yes.
Comment: The variant is not observed in the gnomAD v2.1.1 dataset. Predicted Consequence/Location: Canonical splice site: predicted to alter splicing and result in a loss or disruption of normal protein function. Multiple pathogenic loss-of-function variants are reported downstream of the variant. In silico tools predict the variant to alter splicing and produce an abnormal transcript [Splice AI: 0.94 (spliceogenicity >=0.2, non-spliceogenicity <0.1)]. Therefore, this variant is classified as Likely pathogenic according to the recommendation of ACMG/AMP guideline.